The following is an entry in ClinVar:

NM_005677.4(COLQ):c.107-1G>A

Gene: COLQ (collagen like tail subunit of asymmetric acetylcholinesterase; minus strand). Cytogenetic location: 3p25.1.
Variant type: single nucleotide variant.
Coding change: c.107-1G>A on transcript NM_005677.4 (MANE Select); the canonical splice acceptor site of the intron before coding-DNA position 107, G replaced by A.
Molecular consequence: splice acceptor variant.
Genome position (GRCh38, 1-based): chr3:15,489,638, C>T on the plus strand (G>A on the coding strand, the complement: COLQ is on the minus strand). VCF-style: chr3-15489638-C-T. GRCh37 (hg19) VCF-style: chr3-15531145-C-T.
Other names: c.107-1G>A (NM_080539.4); c.77-1G>A (NM_080538.2).
Identifiers: ClinVar variation 655672 (VCV000655672.8), dbSNP rs1269227357, ClinGen allele CA351601693.

ClinVar aggregate classification (germline): Likely pathogenic (1 of 4 stars; one submission).

Conditions:
Congenital myasthenic syndrome 5. Identifiers: Orphanet 590, MedGen C1864233, MONDO:0011281, OMIM 603034.

Allele frequency attached by ClinVar (database versions not stated): gnomAD exomes below 0.00001 and 0.00001.
gnomAD v4.1: 13 of 1,613,854 alleles (0.00081%); highest among the groups gnomAD compares: Admixed American, 0.0033%; no homozygotes.

Submission:

Labcorp Genetics (formerly Invitae), Labcorp
Classification: Likely pathogenic for Congenital myasthenic syndrome 5. Last evaluated: 2021-09-15. Review status: criteria provided, single submitter. Criteria: Invitae Variant Classification Sherloc (09022015). Collection method: clinical testing. Allele origin: germline.
Comment: In summary, the currently available evidence indicates that the variant is pathogenic, but additional data are needed to prove that conclusively. Therefore, this variant has been classified as Likely Pathogenic. Donor and acceptor splice site variants typically lead to a loss of protein function (PMID: 16199547), and loss-of-function variants in COLQ are known to be pathogenic (PMID: 22678886). This variant has not been reported in the literature in individuals with COLQ-related disease. This variant is not present in population databases (ExAC no frequency). This sequence change affects an acceptor splice site in intron 1 of the COLQ gene. It is expected to disrupt RNA splicing and likely results in an absent or disrupted protein product.

Literature cited by the submitters: PubMed 16199547; PubMed 22678886.